The following is an entry in ClinVar:

ClinVar aggregate classification (germline): Uncertain significance. Review status: criteria provided, multiple submitters, no conflicts (2 of 4 stars). 2 submissions from 2 submitters: Uncertain significance (2). Last evaluated 2025-09-11.

Conditions:
Dilated cardiomyopathy 1D. Identifiers: Orphanet 154, Orphanet 54260, MedGen C1832243, MONDO:0011095, OMIM 601494.
Cardiomyopathy, familial restrictive, 3. Identifiers: Orphanet 75249, MedGen C2676271, MONDO:0012900, OMIM 612422.
Hypertrophic cardiomyopathy 2. Also called: TNNT2-Related Familial Hypertrophic Cardiomyopathy. Identifiers: MedGen C1861864, MONDO:0007266, OMIM 115195.
Cardiomyopathy (CMYO). Also called: Cardiomyopathies. Identifiers: Orphanet 167848, MedGen C0878544, MONDO:0004994, HP:0001638. Inheritance: Various modes of inheritance.

Allele frequency attached by ClinVar (database versions not stated): gnomAD exomes below 0.00001; ExAC 0.00001.
gnomAD v4.1: 1 of 1,614,084 alleles (0.000062%); highest among the groups gnomAD compares: Non-Finnish European, 0.000085%; no homozygotes.

Submissions (2):

Color Diagnostics, LLC DBA Color Health
Classification: Uncertain significance for Cardiomyopathy. Last evaluated: 2025-09-11. Review status: criteria provided, single submitter. Criteria: ACMG Guidelines, 2015. Collection method: clinical testing. Allele origin: germline.
Comment: This missense variant replaces alanine with aspartic acid at codon 55 of the TNNT2 protein. Computational prediction suggests that this variant may not impact protein structure and function. To our knowledge, functional studies have not been reported for this variant. This variant has not been reported in individuals affected with TNNT2-related disorders in the literature. This variant has been identified in 2/251486 chromosomes in the general population by the Genome Aggregation Database (gnomAD). The available evidence is insufficient to determine the role of this variant in disease conclusively. Therefore, this variant is classified as a Variant of Uncertain Significance.

Labcorp Genetics (formerly Invitae), Labcorp
Classification: Uncertain significance for Cardiomyopathy, familial restrictive, 3; Hypertrophic cardiomyopathy 2; Dilated cardiomyopathy 1D. Last evaluated: 2024-06-17. Review status: criteria provided, single submitter. Criteria: Invitae Variant Classification Sherloc (09022015). Collection method: clinical testing. Allele origin: germline.
Comment: This sequence change replaces alanine, which is neutral and non-polar, with aspartic acid, which is acidic and polar, at codon 55 of the TNNT2 protein (p.Ala55Asp). This variant is present in population databases (rs768463992, gnomAD 0.002%). This variant has not been reported in the literature in individuals affected with TNNT2-related conditions. Advanced modeling of protein sequence and biophysical properties (such as structural, functional, and spatial information, amino acid conservation, physicochemical variation, residue mobility, and thermodynamic stability) performed at Invitae indicates that this missense variant is not expected to disrupt TNNT2 protein function with a negative predictive value of 95%. In summary, the available evidence is currently insufficient to determine the role of this variant in disease. Therefore, it has been classified as a Variant of Uncertain Significance.

NM_001276345.2(TNNT2):c.194C>A (p.Ala65Asp)

Gene: TNNT2 (troponin T2, cardiac type; minus strand). Cytogenetic location: 1q32.1.
Variant type: single nucleotide variant.
Coding change: c.194C>A on transcript NM_001276345.2 (MANE Select); coding-DNA position 194, C replaced by A.
Protein change: p.Ala65Asp; replaces alanine 65 with aspartic acid.
Molecular consequence: missense variant.
Genome position (GRCh38, 1-based): chr1:201,367,776, G>T on the plus strand (C>A on the coding strand, the complement: TNNT2 is on the minus strand). VCF-style: chr1-201367776-G-T. GRCh37 (hg19) VCF-style: chr1-201336904-G-T.
Other names: c.194C>A, p.Ala65Asp (NM_000364.4, NM_001406723.1); c.164C>A, p.Ala55Asp (NM_001001430.3, NM_001001431.3, NM_001276347.2 and 3 more transcripts); c.149C>A, p.Ala50Asp (NM_001001432.3, NM_001406728.1); c.191C>A, p.Ala64Asp (NM_001276346.2); c.161C>A, p.Ala54Asp (NM_001406725.1); short protein forms A64D, A54D, A65D, A50D, A55D.
Identifiers: ClinVar variation 2774641 (VCV002774641.5), dbSNP rs768463992, ClinGen allele CA088909.